The following is an entry in ClinVar:

ClinVar aggregate classification (germline): Pathogenic/Likely pathogenic. Review status: criteria provided, multiple submitters, no conflicts (2 of 4 stars). 5 submissions from 5 submitters: Pathogenic (3); Likely pathogenic (2). Last evaluated 2023-04-26.

Conditions:
Microcephaly, normal intelligence and immunodeficiency (NBS). Also called: BERLIN BREAKAGE SYNDROME; SEEMANOVA SYNDROME II; Immunodeficiency, microcephaly with normal intelligence; Nijmegen breakage syndrome; Microcephaly with normal intelligence immunodeficiency and lymphoreticular malignancies; Nonsyndromal microcephaly autosomal recessive with normal intelligence. Identifiers: Orphanet 647, MedGen C0398791, MONDO:0009623, OMIM 251260.
Hereditary cancer-predisposing syndrome. Also called: Hereditary neoplastic syndrome; Hereditary Cancer Syndrome; Neoplastic Syndromes, Hereditary; Tumor predisposition. Identifiers: Orphanet 140162, MedGen C0027672, MeSH D009386, MONDO:0015356.
Aplastic anemia. Identifiers: Orphanet 182040, Orphanet 88, MedGen C0002874, MONDO:0015909, OMIM 609135, HP:0001915.

Submissions (5):

Ambry Genetics
Classification: Pathogenic for Hereditary cancer-predisposing syndrome. Last evaluated: 2023-04-26. Review status: criteria provided, single submitter. Criteria: Ambry Variant Classification Scheme 2023. Collection method: clinical testing. Allele origin: germline.
Comment: The p.E721* pathogenic mutation (also known as c.2161G>T), located in coding exon 14 of the NBN gene, results from a G to T substitution at nucleotide position 2161. This changes the amino acid from a glutamic acid to a stop codon within coding exon 14. This alteration is expected to result in loss of function by premature protein truncation or nonsense-mediated mRNA decay. As such, this alteration is interpreted as a disease-causing mutation.

Baylor Genetics
Classification: Likely pathogenic for Aplastic anemia. Last evaluated: 2022-09-19. Review status: criteria provided, single submitter. Criteria: ACMG Guidelines, 2015. Collection method: clinical testing. Allele origin: unknown.

Genome-Nilou Lab
Classification: Pathogenic for Microcephaly, normal intelligence and immunodeficiency. Last evaluated: 2021-11-07. Review status: criteria provided, single submitter. Criteria: ACMG Guidelines, 2015. Collection method: clinical testing. Allele origin: germline. Affected: no.

GeneDx
Classification: Likely pathogenic. Last evaluated: 2021-10-26. Review status: criteria provided, single submitter. Criteria: GeneDx Variant Classification Process June 2021. Collection method: clinical testing. Allele origin: germline. Affected: yes.
Comment: Nonsense variant predicted to result in protein truncation [or nonsense mediated decay] in a gene for which loss-of-function is a known mechanism of disease; Not observed at significant frequency in large population cohorts (Lek et al., 2016); Has not been previously published as pathogenic or benign to our knowledge

Labcorp Genetics (formerly Invitae), Labcorp
Classification: Pathogenic for Microcephaly, normal intelligence and immunodeficiency. Last evaluated: 2021-09-29. Review status: criteria provided, single submitter. Criteria: Invitae Variant Classification Sherloc (09022015). Collection method: clinical testing. Allele origin: germline.
Comment: This sequence change creates a premature translational stop signal (p.Glu721*) in the NBN gene. It is expected to result in an absent or disrupted protein product. Loss-of-function variants in NBN are known to be pathogenic (PMID: 9590180, 16415040). This variant is not present in population databases (ExAC no frequency). This variant has not been reported in the literature in individuals affected with NBN-related conditions. ClinVar contains an entry for this variant (Variation ID: 422497). For these reasons, this variant has been classified as Pathogenic.

Literature cited by the submitters: PubMed 9590180 (cited by Labcorp Genetics (formerly Invitae), Labcorp); PubMed 16415040 (cited by Labcorp Genetics (formerly Invitae), Labcorp).

NM_002485.5(NBN):c.2161G>T (p.Glu721Ter)

Gene: NBN (nibrin; minus strand). Cytogenetic location: 8q21.3.
Variant type: single nucleotide variant.
Coding change: c.2161G>T on transcript NM_002485.5 (MANE Select); coding-DNA position 2161, G replaced by T.
Protein change: p.Glu721Ter; replaces glutamic acid 721 with a stop codon.
Molecular consequence: nonsense.
Genome position (GRCh38, 1-based): chr8:89,943,276, C>A on the plus strand (G>T on the coding strand, the complement: NBN is on the minus strand). VCF-style: chr8-89943276-C-A. GRCh37 (hg19) VCF-style: chr8-90955504-C-A.
Other names: c.1915G>T, p.Glu639Ter (NM_001024688.3); short protein forms E721*, E639*.
Identifiers: ClinVar variation 422497 (VCV000422497.18), dbSNP rs1064795816, ClinGen allele CA16618697.